The following is an entry in ClinVar:

NM_001378454.1(ALMS1):c.9011A>T (p.Lys3004Ile)

Gene: ALMS1 (ALMS1 centrosome and basal body associated protein; plus strand). Cytogenetic location: 2p13.1.
Variant type: single nucleotide variant.
Coding change: c.9011A>T on transcript NM_001378454.1 (MANE Select); coding-DNA position 9011, A replaced by T.
Protein change: p.Lys3004Ile; replaces lysine 3004 with isoleucine.
Molecular consequence: missense variant.
Genome position (GRCh38, 1-based): chr2:73,490,970, A>T. VCF-style: chr2-73490970-A-T. GRCh37 (hg19) VCF-style: chr2-73718097-A-T.
Other names: c.9014A>T, p.Lys3005Ile (NM_015120.4); short protein forms K3004I, K3005I.
Identifiers: ClinVar variation 2632143 (VCV002632143.1), dbSNP rs1481447691, ClinGen allele CA347272325.
Genomic context (GRCh38, chr2:73,490,970, plus strand): 5'-ATTTTCCCCTTCCTCAAGGTCAGGATTGTGTAGTGGAAAAGAATAATCAACATAAGCCTA[A>T]ATCACACATTTCTAATATAAATGTTGAAGCCAAGTTCAATACTGTGGTCTCCCAGTCAGC-3'
Protein context (NP_001365383.1, residues 2994-3014): VVEKNNQHKP[Lys3004Ile]SHISNINVEA

ClinVar aggregate classification (germline): Uncertain significance (1 of 4 stars; one submission).

Conditions:
ALMS1-related disorder. Also called: ALMS1-related condition.

Allele frequency attached by ClinVar (database versions not stated): gnomAD exomes below 0.00001.
gnomAD v4.1: 1 of 1,614,218 alleles (0.000062%); highest among the groups gnomAD compares: Admixed American, 0.0017%; no homozygotes.

Submission:

PreventionGenetics, part of Exact Sciences
Classification: Uncertain significance for ALMS1-related condition. Last evaluated: 2023-02-24. Review status: criteria provided, single submitter. Criteria: ACMG Guidelines, 2015. Collection method: clinical testing. Allele origin: germline.
Comment: The ALMS1 c.9014A>T variant is predicted to result in the amino acid substitution p.His3005Leu. To our knowledge, this variant has not been reported in the literature or in a large population database, indicating this variant is rare. At this time, the clinical significance of this variant is uncertain due to the absence of conclusive functional and genetic evidence.